The following is an entry in ClinVar:

NM_003000.3(SDHB):c.302G>A (p.Cys101Tyr)

Gene: SDHB (succinate dehydrogenase complex iron sulfur subunit B; minus strand). Cytogenetic location: 1p36.13.
Variant type: single nucleotide variant.
Coding change: c.302G>A on transcript NM_003000.3 (MANE Select); coding-DNA position 302, G replaced by A.
Protein change: p.Cys101Tyr; replaces cysteine 101 with tyrosine.
Molecular consequence: missense variant.
Genome position (GRCh38, 1-based): chr1:17,028,721, C>T on the plus strand (G>A on the coding strand, the complement: SDHB is on the minus strand). VCF-style: chr1-17028721-C-T. GRCh37 (hg19) VCF-style: chr1-17355216-C-T.
Other names: c.302G>A (NM_003000.2); short protein forms C101Y.
Identifiers: ClinVar variation 12786 (VCV000012786.4), dbSNP rs74315371, ClinGen allele CA015737.

ClinVar aggregate classification (germline): Pathogenic. Review status: criteria provided, single submitter (1 of 4 stars). 2 submissions from 2 submitters: Pathogenic (1). 1 of the submissions does not count toward it. Last evaluated 2026-04-13.

Conditions:
Hereditary cancer-predisposing syndrome. Also called: Hereditary neoplastic syndrome; Neoplastic Syndromes, Hereditary; Tumor predisposition; Hereditary Cancer Syndrome. Identifiers: Orphanet 140162, MedGen C0027672, MeSH D009386, MONDO:0015356.
Pheochromocytoma/paraganglioma syndrome 4. Also called: CAROTID BODY TUMORS AND MULTIPLE EXTRAADRENAL PHEOCHROMOCYTOMAS; SDHB-Related Hereditary Paraganglioma-Pheochromocytoma Syndrome; SDHB-Related Hereditary Paraganglioma-Pheochromocytoma Syndrome (Paragangliomas 4); Paragangliomas 4; PARAGANGLIOMA, FAMILIAL MALIGNANT; PARAGANGLIOMAS, HEREDITARY EXTRAADRENAL. Identifiers: Orphanet 29072, MedGen C1861848, MONDO:0007273, OMIM 115310.

Submissions (2):

Ambry Genetics
Classification: Pathogenic for Hereditary cancer-predisposing syndrome. Last evaluated: 2026-04-13. Review status: criteria provided, single submitter. Criteria: Ambry Variant Classification Scheme 2023. Collection method: clinical testing. Allele origin: germline.
Comment: The p.C101Y pathogenic mutation (also known as c.302G>A), located in coding exon 4 of the SDHB gene, results from a G to A substitution at nucleotide position 302. The cysteine at codon 101 is replaced by tyrosine, an amino acid with highly dissimilar properties. This variant was reported in individuals with features consistent with SDHB-related hereditary pheochromocytoma-paraganglioma (Neumann HP et al. N Engl J Med, 2002 May;346:1459-66; Neumann HP et al. JAMA . 2004 Aug;292(8):943-51; Casey RT et al. JCO Precis Oncol, 2018 Mar;2:1-12; Garrett A et al. Genet Med, 2022 Jan;24:41-50; Ambry internal data). In multiple assays testing SDHB function, this variant showed functionally abnormal results (Panizza E et al. Hum Mol Genet, 2013 Feb;22:804-15; Rapizzi E et al. Horm Cancer, 2014 Jun;5:174-84; Kim E et al. Endocr Relat Cancer, 2015 Jun;22:387-97; Dwight T et al. BMC Cancer, 2017 Jul;17:497; Lee S et al. J Clin Invest. 2026 Feb;136(4)). Of note, this variant is also referred to as c.436G>A in the literature. This amino acid position is highly conserved in available vertebrate species. In addition, this alteration is predicted to be deleterious by in silico analysis. This variant is considered to be rare based on population cohorts in the Genome Aggregation Database (gnomAD). Based on the supporting evidence, this variant is interpreted as a disease-causing mutation.

OMIM
Classification: Pathogenic for PHEOCHROMOCYTOMA/PARAGANGLIOMA SYNDROME 4. Last evaluated: 2002-05-09. Review status: no assertion criteria provided. Collection method: literature only. Allele origin: germline. Not counted in ClinVar's aggregate classification.

Literature cited by the submitters: PubMed 12000816 (cited by Ambry Genetics and OMIM); PubMed 15328326 (cited by Ambry Genetics); PubMed 23175444 (cited by Ambry Genetics); PubMed 24595825 (cited by Ambry Genetics); PubMed 25972245 (cited by Ambry Genetics); PubMed 28738844 (cited by Ambry Genetics); PubMed 30949620 (cited by Ambry Genetics); PubMed 34906457 (cited by Ambry Genetics); PubMed 41252211 (cited by Ambry Genetics).